The following is an entry in ClinVar:

NM_000059.4(BRCA2):c.9081AGC[1] (p.Ala3029del)

Gene: BRCA2 (BRCA2 DNA repair associated; plus strand). Cytogenetic location: 13q13.1.
Variant type: Microsatellite.
Coding change: c.9081AGC[1] on transcript NM_000059.4 (MANE Select); one copy of the 3-base unit AGC starting at c.9081; the reference has two copies in a row; one copy, 3 bases deleted.
Protein change: p.Ala3029del; deletes alanine 3029.
Molecular consequence: inframe deletion.
Genome position (GRCh38, 1-based): chr13:32,379,880-32,379,882, AGC deleted; deleting any 3 consecutive bases within chr13:32,379,877-32,379,882 gives the same sequence; the position shown is the placement nearest the transcript's 3' end. VCF-style (leftmost placement, unchanged base first): chr13-32379876-TAGC-T. GRCh37 (hg19) VCF-style: chr13-32954013-TAGC-T.
Other names: c.9084_9086delAGC (NM_000059.3); short protein forms A3029del.
Identifiers: ClinVar variation 141564 (VCV000141564.17), dbSNP rs587781843, ClinGen allele CA025964.

ClinVar aggregate classification (germline): Uncertain significance. Review status: criteria provided, multiple submitters, no conflicts (2 of 4 stars). 3 submissions from 3 submitters: Uncertain significance (3). Last evaluated 2024-12-04.

Conditions:
Hereditary cancer-predisposing syndrome. Also called: Neoplastic Syndromes, Hereditary; Tumor predisposition; Hereditary Cancer Syndrome; Hereditary neoplastic syndrome. Identifiers: Orphanet 140162, MedGen C0027672, MeSH D009386, MONDO:0015356.
Hereditary breast ovarian cancer syndrome. Also called: Breast and ovarian cancer; Hereditary breast and ovarian cancer; Hereditary breast and/or ovarian cancer syndrome; BRCA1- and BRCA2-Associated Hereditary Breast and Ovarian Cancer; Hereditary breast and ovarian cancer syndrome; Hereditary breast and ovarian cancer syndrome (HBOC). Identifiers: Orphanet 145, MedGen C0677776, MeSH D061325, MONDO:0003582. Disease mechanism: loss of function.

Submissions (3):

Labcorp Genetics (formerly Invitae), Labcorp
Classification: Uncertain significance for Hereditary breast ovarian cancer syndrome. Last evaluated: 2024-12-04. Review status: criteria provided, single submitter. Criteria: Invitae Variant Classification Sherloc (09022015). Collection method: clinical testing. Allele origin: germline.
Comment: This variant, c.9084_9086del, results in the deletion of 1 amino acid(s) of the BRCA2 protein (p.Ala3029del), but otherwise preserves the integrity of the reading frame. This variant is not present in population databases (gnomAD no frequency). This variant has not been reported in the literature in individuals affected with BRCA2-related conditions. ClinVar contains an entry for this variant (Variation ID: 141564). Experimental studies and prediction algorithms are not available or were not evaluated, and the functional significance of this variant is currently unknown. In summary, the available evidence is currently insufficient to determine the role of this variant in disease. Therefore, it has been classified as a Variant of Uncertain Significance.

Color Diagnostics, LLC DBA Color Health
Classification: Uncertain significance for Hereditary cancer-predisposing syndrome. Last evaluated: 2019-03-13. Review status: criteria provided, single submitter. Criteria: ACMG Guidelines, 2015. Collection method: clinical testing. Allele origin: germline.

Ambry Genetics
Classification: Uncertain significance for Hereditary cancer-predisposing syndrome. Last evaluated: 2017-01-31. Review status: criteria provided, single submitter. Criteria: Ambry Variant Classification Scheme 2023. Collection method: clinical testing. Allele origin: germline.
Comment: The c.9084_9086delAGC variant (also known as p.A3029del) is located in coding exon 22 of the BRCA2 gene. This variant results from an in-frame deletion of 3 nucleotides at positions 9084 to 9086, causing the removal of a well-conserved alanine residue at codon 3029. Since supporting evidence is limited at this time, the clinical significance of this alteration remains unclear.